The following is an entry in ClinVar:

NM_000255.4(MMUT):c.514del (p.Ile172fs)

Gene: MMUT (methylmalonyl-CoA mutase; minus strand). Cytogenetic location: 6p12.3.
Variant type: Deletion.
Coding change: c.514del on transcript NM_000255.4 (MANE Select); coding-DNA position 514, one base deleted (A; older notation c.514delA).
Protein change: p.Ile172fs; shifts the reading frame from isoleucine 172.
Molecular consequence: frameshift variant.
Genome position (GRCh38, 1-based): chr6:49,457,930, T deleted on the plus strand (A on the coding strand, the reverse complement: MMUT is on the minus strand); the first of 4 consecutive T bases (chr6:49,457,930-49,457,933); deleting any one gives the same sequence. VCF-style (leftmost placement, unchanged base first): chr6-49457929-AT-A. GRCh37 (hg19) VCF-style: chr6-49425642-AT-A.
Other names: short protein forms I172fs.
Identifiers: ClinVar variation 863700 (VCV000863700.7), dbSNP rs1767735337, ClinGen allele CA450608622.

ClinVar aggregate classification (germline): Pathogenic (1 of 4 stars; one submission).

Submission:

Labcorp Genetics (formerly Invitae), Labcorp
Classification: Pathogenic. Last evaluated: 2022-10-29. Review status: criteria provided, single submitter. Criteria: Invitae Variant Classification Sherloc (09022015). Collection method: clinical testing. Allele origin: germline.
Comment: This sequence change creates a premature translational stop signal (p.Ile172Phefs*8) in the MUT gene. It is expected to result in an absent or disrupted protein product. Loss-of-function variants in MUT are known to be pathogenic (PMID: 15781192). For these reasons, this variant has been classified as Pathogenic. ClinVar contains an entry for this variant (Variation ID: 863700). This variant has not been reported in the literature in individuals affected with MUT-related conditions. This variant is not present in population databases (gnomAD no frequency).

Literature cited by the submitters: PubMed 15781192.